The following is an entry in ClinVar:

NM_030665.4(RAI1):c.403C>T (p.Pro135Ser)

Gene: RAI1 (retinoic acid induced 1; plus strand). Cytogenetic location: 17p11.2.
Variant type: single nucleotide variant.
Coding change: c.403C>T on transcript NM_030665.4 (MANE Select); coding-DNA position 403, C replaced by T.
Protein change: p.Pro135Ser; replaces proline 135 with serine.
Molecular consequence: missense variant.
Genome position (GRCh38, 1-based): chr17:17,793,351, C>T. VCF-style: chr17-17793351-C-T. GRCh37 (hg19) VCF-style: chr17-17696665-C-T.
Other names: short protein forms P135S.
Identifiers: ClinVar variation 3345918 (VCV003345918.1).

ClinVar aggregate classification (germline): Uncertain significance (0 of 4 stars; one submission).

Conditions:
RAI1-related disorder. Also called: RAI1-related condition.

gnomAD v4.1: 3 of 1,612,878 alleles (0.00019%); highest among the groups gnomAD compares: Admixed American, 0.0017%; no homozygotes.

Submission:

PreventionGenetics, part of Exact Sciences
Classification: Uncertain significance for RAI1-related condition. Last evaluated: 2024-07-05. Review status: no assertion criteria provided. Collection method: clinical testing. Allele origin: germline.
Comment: The RAI1 c.403C>T variant is predicted to result in the amino acid substitution p.Pro135Ser. To our knowledge, this variant has not been reported in the literature. This variant is reported in 0.0029% of alleles in individuals of Latino descent in gnomAD. At this time, the clinical significance of this variant is uncertain due to the absence of conclusive functional and genetic evidence.